The following is an entry in ClinVar:

ClinVar aggregate classification (germline): Uncertain significance (1 of 4 stars; one submission).

Submission:

Labcorp Genetics (formerly Invitae), Labcorp
Classification: Uncertain significance. Last evaluated: 2021-11-01. Review status: criteria provided, single submitter. Criteria: Invitae Variant Classification Sherloc (09022015). Collection method: clinical testing. Allele origin: germline.
Comment: This variant has not been reported in the literature in individuals affected with MYO7A-related conditions. In summary, the available evidence is currently insufficient to determine the role of this variant in disease. Therefore, it has been classified as a Variant of Uncertain Significance. Advanced modeling of protein sequence and biophysical properties (such as structural, functional, and spatial information, amino acid conservation, physicochemical variation, residue mobility, and thermodynamic stability) performed at Invitae indicates that this missense variant is expected to disrupt MYO7A protein function. This variant is not present in population databases (gnomAD no frequency). This sequence change replaces phenylalanine, which is neutral and non-polar, with leucine, which is neutral and non-polar, at codon 441 of the MYO7A protein (p.Phe441Leu).

NM_000260.4(MYO7A):c.1323T>G (p.Phe441Leu)

Gene: MYO7A (myosin VIIA; plus strand). Cytogenetic location: 11q13.5.
Variant type: single nucleotide variant.
Coding change: c.1323T>G on transcript NM_000260.4 (MANE Select); coding-DNA position 1323, T replaced by G.
Protein change: p.Phe441Leu; replaces phenylalanine 441 with leucine.
Molecular consequence: missense variant.
Genome position (GRCh38, 1-based): chr11:77,161,095, T>G. VCF-style: chr11-77161095-T-G. GRCh37 (hg19) VCF-style: chr11-76872141-T-G.
Other names: c.1323T>G, p.Phe441Leu (NM_001127180.2); c.1290T>G, p.Phe430Leu (NM_001369365.1); short protein forms F430L, F441L.
Identifiers: ClinVar variation 1404878 (VCV001404878.6), dbSNP rs2135289032, ClinGen allele CA381935125.
Genomic context (GRCh38, chr11:77,161,095, plus strand): 5'-TCCCTCCCAGGATGTGAAGAACTCTCGCAGGTCCATCGGCCTCCTGGACATCTTTGGGTT[T>G]GAGAACTTTGCTGTGAACAGGTACCGCGTGGGGCTCTGCTCATGGGAATTTCCTTCCCCA-3'
Protein context (NP_000251.3, residues 431-451): RSIGLLDIFG[Phe441Leu]ENFAVNSFEQ